The following is an entry in ClinVar:

ClinVar aggregate classification (germline): Uncertain significance (1 of 4 stars; one submission).

Conditions:
TNRC6B-related disorder. Also called: TNRC6B-related condition.

Submission:

PreventionGenetics, part of Exact Sciences
Classification: Uncertain significance for TNRC6B-related condition. Last evaluated: 2025-01-29. Review status: criteria provided, single submitter. Criteria: ACMG Guidelines, 2015. Collection method: clinical testing. Allele origin: germline.
Comment: The TNRC6B c.3436_3437delinsTT variant is predicted to result in an in-frame deletion and insertion. To our knowledge, this variant has not been reported in the literature or in a large population database (gnomAD), indicating this variant is rare. At this time, the clinical significance of this variant is uncertain due to the absence of conclusive functional and genetic evidence.

NM_001162501.2(TNRC6B):c.3436_3437delinsTT (p.Asp1146Phe)

Gene: TNRC6B (trinucleotide repeat containing adaptor 6B; plus strand). Cytogenetic location: 22q13.1.
Variant type: Indel.
Coding change: c.3436_3437delinsTT on transcript NM_001162501.2 (MANE Select); coding-DNA positions 3436 to 3437, GA replaced by TT.
Protein change: p.Asp1146Phe; replaces aspartic acid 1146 with phenylalanine.
Molecular consequence: missense variant. On other transcripts: intron variant (2).
Genome position (GRCh38, 1-based): chr22:40,281,143-40,281,144, GA replaced by TT. VCF-style: chr22-40281143-GA-TT. GRCh37 (hg19) VCF-style: chr22-40677147-GA-TT.
Other names: c.1170+1000_1170+1001delinsTT (NM_001024843.2); c.3252+1000_3252+1001delinsTT (NM_015088.3); short protein forms D1146F.
Identifiers: ClinVar variation 4999253 (VCV004999253.1).